The following is an entry in ClinVar:

NM_001039141.3(TRIOBP):c.4387G>T (p.Gly1463Ter)

Gene: TRIOBP (TRIO and F-actin binding protein; plus strand). Cytogenetic location: 22q13.1.
Variant type: single nucleotide variant.
Coding change: c.4387G>T on transcript NM_001039141.3 (MANE Select); coding-DNA position 4387, G replaced by T.
Protein change: p.Gly1463Ter; replaces glycine 1463 with a stop codon.
Molecular consequence: nonsense.
Genome position (GRCh38, 1-based): chr22:37,734,723, G>T. VCF-style: chr22-37734723-G-T. GRCh37 (hg19) VCF-style: chr22-38130730-G-T.
Other names: short protein forms G1463*.
Identifiers: ClinVar variation 4727952 (VCV004727952.1).

ClinVar aggregate classification (germline): Pathogenic (1 of 4 stars; one submission).

Submission:

Labcorp Genetics (formerly Invitae), Labcorp
Classification: Pathogenic. Last evaluated: 2025-09-27. Review status: criteria provided, single submitter. Criteria: Invitae Variant Classification Sherloc (09022015). Collection method: clinical testing. Allele origin: germline.
Comment: This sequence change creates a premature translational stop signal (p.Gly1463*) in the TRIOBP gene. It is expected to result in an absent or disrupted protein product. Loss-of-function variants in TRIOBP are known to be pathogenic (PMID: 16385457, 16385458, 20510926). This variant is not present in population databases (gnomAD no frequency). This variant has not been reported in the literature in individuals affected with TRIOBP-related conditions. For these reasons, this variant has been classified as Pathogenic.

Literature cited by the submitters: PubMed 16385457; PubMed 16385458; PubMed 20510926.